The following is an entry in ClinVar:

ClinVar aggregate classification (germline): Likely pathogenic (1 of 4 stars; one submission).

Conditions:
Retinitis pigmentosa 39 (RP39). Identifiers: Orphanet 791, MedGen C3151138, MONDO:0013436, OMIM 613809.

Submission:

3billion
Classification: Likely pathogenic for Retinitis pigmentosa 39. Last evaluated: 2024-11-25. Review status: criteria provided, single submitter. Criteria: ACMG Guidelines, 2015. Collection method: clinical testing. Allele origin: germline. Affected: yes.
Comment: The variant is not observed in the gnomAD v4.1.0 dataset. Predicted Consequence/Location: Stop-gained (nonsense): predicted to result in a loss or disruption of normal protein function through nonsense-mediated decay (NMD) or protein truncation. Multiple pathogenic variants are reported downstream of the variant. Therefore, this variant is classified as Likely pathogenic according to the recommendation of ACMG/AMP guideline.

NM_206933.4(USH2A):c.3154A>T (p.Lys1052Ter)

Genes: USH2A-AS1 (USH2A antisense RNA 1; plus strand), USH2A (usherin; minus strand). Cytogenetic location: 1q41.
Variant type: single nucleotide variant.
Coding change: c.3154A>T on transcript NM_206933.4 (MANE Select); coding-DNA position 3154, A replaced by T.
Protein change: p.Lys1052Ter; replaces lysine 1052 with a stop codon.
Molecular consequence: nonsense.
Genome position (GRCh38, 1-based): chr1:216,217,390, T>A on the plus strand (A>T on the coding strand, the complement: USH2A is on the minus strand). VCF-style: chr1-216217390-T-A. GRCh37 (hg19) VCF-style: chr1-216390732-T-A.
Other names: c.3154A>T, p.Lys1052Ter (NM_007123.6); short protein forms K1052*.
Identifiers: ClinVar variation 4292023 (VCV004292023.1).